The following is an entry in ClinVar:

NM_013275.6(ANKRD11):c.6177del (p.Ser2060fs)

Gene: ANKRD11 (ankyrin repeat domain 11; minus strand). Cytogenetic location: 16q24.3.
Variant type: Deletion.
Coding change: c.6177del on transcript NM_013275.6 (MANE Select); coding-DNA position 6177, one base deleted (C; older notation c.6177delC).
Protein change: p.Ser2060fs; shifts the reading frame from serine 2060.
Molecular consequence: frameshift variant.
Genome position (GRCh38, 1-based): chr16:89,280,365, G deleted on the plus strand (C on the coding strand, the reverse complement: ANKRD11 is on the minus strand); the first of 3 consecutive G bases (chr16:89,280,365-89,280,367); deleting any one gives the same sequence. VCF-style (leftmost placement, unchanged base first): chr16-89280364-AG-A. GRCh37 (hg19) VCF-style: chr16-89346772-AG-A.
Other names: c.6177del, p.Ser2060fs (NM_001256182.2, NM_001256183.2); short protein forms S2060fs.
Identifiers: ClinVar variation 2704328 (VCV002704328.3), dbSNP rs2544223783, ClinGen allele CA2697556042.

ClinVar aggregate classification (germline): Pathogenic (1 of 4 stars; one submission).

Conditions:
KBG syndrome (KBGS). Also called: ANKRD11-Related KBG Syndrome. Identifiers: Orphanet 2332, MedGen C0220687, MONDO:0007846, OMIM 148050.

Submission:

Labcorp Genetics (formerly Invitae), Labcorp
Classification: Pathogenic for KBG syndrome. Last evaluated: 2023-12-19. Review status: criteria provided, single submitter. Criteria: Invitae Variant Classification Sherloc (09022015). Collection method: clinical testing. Allele origin: germline.
Comment: This sequence change creates a premature translational stop signal (p.Ser2060Profs*27) in the ANKRD11 gene. It is expected to result in an absent or disrupted protein product. Loss-of-function variants in ANKRD11 are known to be pathogenic (PMID: 21782149, 25125236, 25413698, 25652421). This variant is not present in population databases (gnomAD no frequency). This variant has not been reported in the literature in individuals affected with ANKRD11-related conditions. For these reasons, this variant has been classified as Pathogenic.

Literature cited by the submitters: PubMed 21782149; PubMed 25125236; PubMed 25413698; PubMed 25652421.